The following is an entry in ClinVar:

NC_000005.9:g.(42566047_42629139)_(42629206_42688991)del

Gene: GHR (growth hormone receptor; plus strand). Cytogenetic location: 5p12.
Variant type: Deletion.
Identifiers: ClinVar variation 1704485 (VCV001704485.1).

ClinVar aggregate classification (germline): Uncertain significance (1 of 4 stars; one submission).

Submission:

Women's Health and Genetics/Laboratory Corporation of America, LabCorp
Classification: Uncertain significance. Last evaluated: 2022-07-22. Review status: criteria provided, single submitter. Criteria: LabCorp Variant Classification Summary - May 2015. Collection method: clinical testing. Allele origin: germline.
Comment: Variant summary: The variant identified by MLPA or other technology involves the deletion of exons 3 in the GHR gene. A presumed nomenclature of c.(70+1_71-1)_(136+1_137-1)del has been designated for the purposes of this classification. Although exact breakpoints of this deletion are not known, it is expected to result in an in-frame deletion change in the GHR gene, with the removal of 22 amino acids (predicted protein level effect: p.Ala24_Asn46delinsAsp) from the extracellular domain of the growth hormone receptor (Pantel_2000). An exon 3 deletion variant (Position: Chr5-42609504-42633290, Size: 23,786 bp) was found at a frequency of 4.6e-05 (i.e. 1 allele) in 21694 control chromosomes in the gnomAD database, structural variants dataset. However, a different exon 3 deletion variant is described in the literature as a common polymorphism (known as GHRd3), with a frequency of ~25-50% in Europeans (see e.g. Pantel_2000, Dos Santos_2004), which is described as a 2.7-kilobase deletion involving exon 3, which most likely results from a homologous recombination between two 251-bp-long copies of 99% identical retroelements that are flanking exon 3 (these repeats are located 577 bp upstream and 1821 bp downstream of the exon, respectively; see Pantel_2000). This polymorphic exon 3 deletion variant has been reported in the literature in an individual with normal height, who carried a nonsense variant in trans, providing evidence that a single copy of GHRd3 is sufficient for normal growth (Pantel_2003). An in vitro functional study demonstrated in 293 HEK fibroblasts co-transfected with vectors expressing full-length GHR, GHRd3 or both that the GHRd3 variant results in ~30% higher transcriptional activity compared to the full-length transfected, and the effect of GHRd3 was dominant over the full-length isoform (Dos Santos_2004). Therefore, these results showed no damaging effect of this variant. One clinical diagnostic laboratory has submitted clinical-significance assessments for this variant to ClinVar after 2014 without evidence for independent evaluation, and classified the variant as benign. Based on the evidence outlined above, the variant was classified as likely benign.

Literature cited by the submitters: PubMed 12679461; PubMed 15208626; PubMed 2813379; PubMed 10764769.